The following is an entry in ClinVar:

NM_001723.7(DST):c.5365G>T (p.Ala1789Ser)

Gene: DST (dystonin; minus strand). Cytogenetic location: 6p12.1.
Variant type: single nucleotide variant.
Coding change: c.5365G>T on transcript NM_001723.7 (MANE Plus Clinical); coding-DNA position 5365, G replaced by T.
Protein change: p.Ala1789Ser; replaces alanine 1789 with serine.
Molecular consequence: missense variant. On other transcripts: intron variant (10).
Genome position (GRCh38, 1-based): chr6:56,618,669, C>A on the plus strand (G>T on the coding strand, the complement: DST is on the minus strand). VCF-style: chr6-56618669-C-A. GRCh37 (hg19) VCF-style: chr6-56483467-C-A.
Other names: c.4831-4185G>T (NM_001144769.5); c.4930-4185G>T (NM_001374722.1, NM_001374736.1); c.4957-4185G>T (NM_001374734.1); c.4417-4185G>T (NM_001144770.2); c.4297-4185G>T (NM_001374730.1, NM_001386100.1, NM_183380.4 and 1 more transcripts); c.3319-4185G>T (NM_015548.5); short protein forms A1789S.
Identifiers: ClinVar variation 1438492 (VCV001438492.5), dbSNP rs373861219, ClinGen allele CA3870375.
Genomic context (GRCh38, chr6:56,618,669, plus strand): 5'-GTTGAAGCTGTCTTTCAAGTTCTTTAATGTTTGTTTCACAAAGCTTAGCATTTTCTTGGG[C>A]TCTAGAGTTTTCTTGTTGAAGAGACACAAAGTCAAGCCTAATGCCTGAAATATCATTTTC-3'
Protein context (NP_001714.1, residues 1779-1799): FVSLQQENSR[Ala1789Ser]QENAKLCETN

ClinVar aggregate classification (germline): Uncertain significance (1 of 4 stars; one submission).

Conditions:
Epidermolysis bullosa simplex 3, localized or generalized intermediate, with BP230 deficiency (EBS3). Also called: Epidermolysis bullosa simplex due to BP230 deficiency; Epidermolysis bullosa simplex, autosomal recessive 2. Identifiers: Orphanet 412181, MedGen C3809470, MONDO:0014180, OMIM 615425.
Hereditary sensory and autonomic neuropathy type 6. Also called: HSAN VI; Neuropathy, hereditary sensory and autonomic, type VI. Identifiers: Orphanet 314381, MedGen C3539003, MONDO:0013839, OMIM 614653.

Allele frequency attached by ClinVar (database versions not stated): gnomAD exomes 0.00001 and 0.00003; ExAC 0.00006; ESP Exome Variant Server 0.00008; TOPMed 0.00009; gnomAD 0.00011 and 0.00012.
gnomAD v4.1: 24 of 1,613,708 alleles (0.0015%); highest among the groups gnomAD compares: African/African-American, 0.029%; no homozygotes.

Submission:

Labcorp Genetics (formerly Invitae), Labcorp
Classification: Uncertain significance for Epidermolysis bullosa simplex 3, localized or generalized intermediate, with BP230 deficiency; Hereditary sensory and autonomic neuropathy type 6. Last evaluated: 2021-08-27. Review status: criteria provided, single submitter. Criteria: Invitae Variant Classification Sherloc (09022015). Collection method: clinical testing. Allele origin: germline.
Comment: This sequence change replaces alanine with serine at codon 1789 of the DST protein (p.Ala1789Ser). The alanine residue is weakly conserved and there is a moderate physicochemical difference between alanine and serine. This variant is present in population databases (rs373861219, ExAC 0.07%). This variant has not been reported in the literature in individuals affected with DST-related conditions. Algorithms developed to predict the effect of missense changes on protein structure and function are either unavailable or do not agree on the potential impact of this missense change (SIFT: "Deleterious"; PolyPhen-2: "Possibly Damaging"; Align-GVGD: "Class C15"). In summary, the available evidence is currently insufficient to determine the role of this variant in disease. Therefore, it has been classified as a Variant of Uncertain Significance.